The following is an entry in ClinVar:

ClinVar aggregate classification (germline): Pathogenic (1 of 4 stars; one submission).

Conditions:
Neurofibromatosis, type 1 (NF1). Also called: NEUROFIBROMATOSIS, TYPE I, SOMATIC; VON RECKLINGHAUSEN DISEASE; Peripheral type neurofibromatosis; Neurofibromatosis, type I. Identifiers: Orphanet 636, MedGen C0027831, MONDO:0018975, OMIM 162200. Disease mechanism: loss of function.

Submission:

Labcorp Genetics (formerly Invitae), Labcorp
Classification: Pathogenic for Neurofibromatosis, type 1. Last evaluated: 2021-11-07. Review status: criteria provided, single submitter. Criteria: Invitae Variant Classification Sherloc (09022015). Collection method: clinical testing. Allele origin: germline.
Comment: This sequence change creates a premature translational stop signal (p.Leu506Alafs*5) in the NF1 gene. It is expected to result in an absent or disrupted protein product. Loss-of-function variants in NF1 are known to be pathogenic (PMID: 10712197, 23913538). For these reasons, this variant has been classified as Pathogenic. This variant has not been reported in the literature in individuals affected with NF1-related conditions. This variant is not present in population databases (gnomAD no frequency).

Literature cited by the submitters: PubMed 10712197; PubMed 23913538.

NM_001042492.3(NF1):c.1514dup (p.Leu506fs)

Gene: NF1 (neurofibromin 1; plus strand). Cytogenetic location: 17q11.2.
Variant type: Duplication.
Coding change: c.1514dup on transcript NM_001042492.3 (MANE Select); coding-DNA position 1514, one base duplicated (A; older notation c.1514dupA).
Protein change: p.Leu506fs; shifts the reading frame from leucine 506.
Molecular consequence: frameshift variant.
Genome position (GRCh38, 1-based): chr17:31,214,572, A duplicated; the last of 3 consecutive A bases (chr17:31,214,570-31,214,572); duplicating any one gives the same sequence. VCF-style (leftmost placement, unchanged base first): chr17-31214569-C-CA. GRCh37 (hg19) VCF-style: chr17-29541587-C-CA.
Other names: c.1514dup, p.Leu506Alafs (NM_000267.4); c.1514dup, p.Leu506fs (NM_001128147.3); short protein forms L506fs.
Identifiers: ClinVar variation 1442220 (VCV001442220.6), dbSNP rs1555612289, ClinGen allele CA2573153648.